The following is an entry in ClinVar:

ClinVar aggregate classification (germline): Uncertain significance (1 of 4 stars; one submission).

Allele frequency attached by ClinVar (database versions not stated): gnomAD exomes below 0.00001.
gnomAD v4.1: 1 of 1,613,952 alleles (0.000062%); highest among the groups gnomAD compares: Admixed American, 0.0017%; no homozygotes.

Submission:

Labcorp Genetics (formerly Invitae), Labcorp
Classification: Uncertain significance. Last evaluated: 2021-10-10. Review status: criteria provided, single submitter. Criteria: Invitae Variant Classification Sherloc (09022015). Collection method: clinical testing. Allele origin: germline.
Comment: In summary, the available evidence is currently insufficient to determine the role of this variant in disease. Therefore, it has been classified as a Variant of Uncertain Significance. Algorithms developed to predict the effect of missense changes on protein structure and function output the following: SIFT: "Tolerated"; PolyPhen-2: "Benign"; Align-GVGD: "Class C0". The aspartic acid amino acid residue is found in multiple mammalian species, which suggests that this missense change does not adversely affect protein function. This variant has not been reported in the literature in individuals affected with IMPG1-related conditions. This variant is not present in population databases (ExAC no frequency). This sequence change replaces glutamic acid with aspartic acid at codon 532 of the IMPG1 protein (p.Glu532Asp). The glutamic acid residue is highly conserved and there is a small physicochemical difference between glutamic acid and aspartic acid.

NM_001563.4(IMPG1):c.1596G>T (p.Glu532Asp)

Gene: IMPG1 (interphotoreceptor matrix proteoglycan 1; minus strand). Cytogenetic location: 6q14.1.
Variant type: single nucleotide variant.
Coding change: c.1596G>T on transcript NM_001563.4 (MANE Select); coding-DNA position 1596, G replaced by T.
Protein change: p.Glu532Asp; replaces glutamic acid 532 with aspartic acid.
Molecular consequence: missense variant.
Genome position (GRCh38, 1-based): chr6:75,950,790, C>A on the plus strand (G>T on the coding strand, the complement: IMPG1 is on the minus strand). VCF-style: chr6-75950790-C-A. GRCh37 (hg19) VCF-style: chr6-76660507-C-A.
Other names: c.1362G>T, p.Glu454Asp (NM_001282368.2); short protein forms E532D, E454D.
Identifiers: ClinVar variation 1502686 (VCV001502686.6), dbSNP rs1294746694, ClinGen allele CA364777493.
Genomic context (GRCh38, chr6:75,950,790, plus strand): 5'-AGGAGTGGTATCCTCCAAGAAATGATCTGGGACAGAAACATATTCGCTGAGCTCTGGTAC[C>A]TCAGATGGGGCAGGAGTGTCAGACAGATCCATTTCATCTAGGTGTCTGACCATATCTTCG-3'
Protein context (NP_001554.2, residues 522-542): MDLSDTPAPS[Glu532Asp]VPELSEYVSV